The following is an entry in ClinVar:

NM_032444.4(SLX4):c.3876C>T (p.Pro1292=)

Gene: SLX4 (SLX4 structure-specific endonuclease subunit; minus strand). Cytogenetic location: 16p13.3.
Variant type: single nucleotide variant.
Coding change: c.3876C>T on transcript NM_032444.4 (MANE Select); coding-DNA position 3876, C replaced by T.
Protein change: p.Pro1292=; no amino-acid change (proline 1292 retained).
Molecular consequence: synonymous variant.
Genome position (GRCh38, 1-based): chr16:3,589,762, G>A on the plus strand (C>T on the coding strand, the complement: SLX4 is on the minus strand). VCF-style: chr16-3589762-G-A. GRCh37 (hg19) VCF-style: chr16-3639763-G-A.
Identifiers: ClinVar variation 2646113 (VCV002646113.24), dbSNP rs2548211987, ClinGen allele CA493391261.

ClinVar aggregate classification (germline): Likely benign (1 of 4 stars; one submission).

Submission:

CeGaT Center for Human Genetics Tuebingen
Classification: Likely benign. Last evaluated: 2023-06-01. Review status: criteria provided, single submitter. Criteria: CeGaT Center For Human Genetics Tuebingen Variant Classification Criteria Version 2. Collection method: clinical testing. Allele origin: germline. Affected: yes. Observed: 1 variant allele.
Comment: SLX4: BP4, BP7